The following is an entry in ClinVar:

ClinVar aggregate classification (germline): Pathogenic. Review status: criteria provided, multiple submitters, no conflicts (2 of 4 stars). 2 submissions from 2 submitters: Pathogenic (2). Last evaluated 2026-06-09.

Conditions:
Familial isolated deficiency of vitamin E (AVED). Also called: ATAXIA, FRIEDREICH-LIKE, WITH SELECTIVE VITAMIN E DEFICIENCY; Ataxia with isolated vitamin E deficiency. Identifiers: Orphanet 96, MedGen C1848533, MONDO:0010188, OMIM 277460.

Submissions (2):

Myriad Genetics, Inc.
Classification: Pathogenic for Familial isolated deficiency of vitamin E. Last evaluated: 2026-06-09. Review status: criteria provided, single submitter. Criteria: Myriad Autosomal Dominant, Autosomal Recessive and X-Linked Classification Criteria (2023). Collection method: clinical testing. Allele origin: unknown.
Comment: NM_000370.3(TTPA):c.266delC(P89Lfs*8) is expected to be pathogenic in the context of ataxia with vitamin E deficiency. This variant is predicted to lead to an abnormal or absent protein product due to the creation of a premature termination codon in TTPA, a gene where loss-of-function variants are known to be pathogenic. Please note: this variant was assessed in the context of healthy population screening.

Labcorp Genetics (formerly Invitae), Labcorp
Classification: Pathogenic. Last evaluated: 2022-09-01. Review status: criteria provided, single submitter. Criteria: Invitae Variant Classification Sherloc (09022015). Collection method: clinical testing. Allele origin: germline.
Comment: For these reasons, this variant has been classified as Pathogenic. This variant has not been reported in the literature in individuals affected with TTPA-related conditions. This variant is not present in population databases (gnomAD no frequency). This sequence change creates a premature translational stop signal (p.Pro89Leufs*8) in the TTPA gene. It is expected to result in an absent or disrupted protein product. Loss-of-function variants in TTPA are known to be pathogenic (PMID: 9463307, 26068213).

Literature cited by the submitters: PubMed 9463307 (cited by Labcorp Genetics (formerly Invitae), Labcorp); PubMed 26068213 (cited by Labcorp Genetics (formerly Invitae), Labcorp).

NM_000370.3(TTPA):c.266del (p.Pro89fs)

Gene: TTPA (alpha tocopherol transfer protein; minus strand). Cytogenetic location: 8q12.3.
Variant type: Deletion.
Coding change: c.266del on transcript NM_000370.3 (MANE Select); coding-DNA position 266, one base deleted (C; older notation c.266delC).
Protein change: p.Pro89fs; shifts the reading frame from proline 89.
Molecular consequence: frameshift variant.
Genome position (GRCh38, 1-based): chr8:63,073,027, G deleted on the plus strand (C on the coding strand, the reverse complement: TTPA is on the minus strand); the first of 3 consecutive G bases (chr8:63,073,027-63,073,029); deleting any one gives the same sequence. VCF-style (leftmost placement, unchanged base first): chr8-63073026-AG-A. GRCh37 (hg19) VCF-style: chr8-63985585-AG-A.
Other names: c.264delC, p.Pro89Leufs (NM_001413415.1, NM_001413416.1, NM_001413418.1); short protein forms P89fs.
Identifiers: ClinVar variation 2020207 (VCV002020207.5), dbSNP rs2487165508, ClinGen allele CA2580078859.